The following is an entry in ClinVar:

NM_001174147.2(LMX1B):c.437G>A (p.Cys146Tyr)

Gene: LMX1B (LIM homeobox transcription factor 1 beta; plus strand). Cytogenetic location: 9q33.3.
Variant type: single nucleotide variant.
Coding change: c.437G>A on transcript NM_001174147.2 (MANE Select); coding-DNA position 437, G replaced by A.
Protein change: p.Cys146Tyr; replaces cysteine 146 with tyrosine.
Molecular consequence: missense variant.
Genome position (GRCh38, 1-based): chr9:126,690,946, G>A. VCF-style: chr9-126690946-G-A. GRCh37 (hg19) VCF-style: chr9-129453225-G-A.
Other names: c.437G>A, p.Cys146Tyr (NM_002316.4, NM_001174146.2); short protein forms C146Y.
Identifiers: ClinVar variation 2735334 (VCV002735334.4), dbSNP rs2490682650, ClinGen allele CA374912457.
Genomic context (GRCh38, chr9:126,690,946, plus strand): 5'-AGTTCGTGATGCGGGCGCTGGAGTGCGTGTACCACCTGGGCTGCTTCTGCTGCTGCGTGT[G>A]TGAACGGCAGCTACGCAAGGGCGACGAATTCGTGCTCAAGGAGGGCCAGCTGCTGTGCAA-3'
Protein context (NP_001167618.1, residues 136-156): YHLGCFCCCV[Cys146Tyr]ERQLRKGDEF

ClinVar aggregate classification (germline): Conflicting classifications of pathogenicity. Review status: criteria provided, conflicting classifications (1 of 4 stars). 2 submissions from 2 submitters: Pathogenic (1); Uncertain significance (1). Last evaluated 2025-01-24.

Conditions:
Nail-patella syndrome (NPS). Also called: FONG DISEASE; ONYCHOOSTEODYSPLASIA; TURNER-KIESER SYNDROME. Identifiers: Orphanet 2614, MedGen C0027341, MONDO:0008061, OMIM 161200.

Submissions (2):

3billion
Classification: Uncertain significance for Nail-patella syndrome. Last evaluated: 2025-01-24. Review status: criteria provided, single submitter. Criteria: ACMG Guidelines, 2015. Collection method: clinical testing. Allele origin: germline. Affected: yes.
Comment: The variant is not observed in the gnomAD v4.1.0 dataset. Predicted Consequence/Location: Missense variant In silico tool predictions suggest damaging effect of the variant on gene or gene product [REVEL: 0.92 (>=0.6, sensitivity 0.68 and specificity 0.92); 3Cnet: 0.93 (>=0.6, sensitivity 0.72 and precision 0.9)]. The same nucleotide change resulting in the same amino acid change has been previously reported to be associated with LMX1B-related disorder (ClinVar ID: VCV002735334 /PMID: 10571942). Different missense changes at the same codon (p.Cys146Phe, p.Cys146Ser) have been reported to be associated with LMX1B-related disorder (PMID: 10571942, 25898926). Therefore, this variant is classified as VUS according to the recommendation of ACMG/AMP guideline.

Labcorp Genetics (formerly Invitae), Labcorp
Classification: Pathogenic. Last evaluated: 2023-11-14. Review status: criteria provided, single submitter. Criteria: Invitae Variant Classification Sherloc (09022015). Collection method: clinical testing. Allele origin: germline.
Comment: This sequence change replaces cysteine, which is neutral and slightly polar, with tyrosine, which is neutral and polar, at codon 146 of the LMX1B protein (p.Cys146Tyr). This variant is not present in population databases (gnomAD no frequency). This missense change has been observed in individuals with Nail-Patella syndrome (PMID: 10571942, 18535845; Invitae). This variant is also known as 368G>A (C123Y). Advanced modeling of protein sequence and biophysical properties (such as structural, functional, and spatial information, amino acid conservation, physicochemical variation, residue mobility, and thermodynamic stability) performed at Invitae indicates that this missense variant is expected to disrupt LMX1B protein function with a positive predictive value of 80%. This variant disrupts the p.Cys146 amino acid residue in LMX1B. Other variant(s) that disrupt this residue have been observed in individuals with LMX1B-related conditions (PMID: 10571942, 18535845, 25898926), which suggests that this may be a clinically significant amino acid residue. For these reasons, this variant has been classified as Pathogenic.

Literature cited by the submitters: PubMed 10571942 (cited by 3billion and Labcorp Genetics (formerly Invitae), Labcorp); PubMed 18535845 (cited by Labcorp Genetics (formerly Invitae), Labcorp); PubMed 25898926 (cited by Labcorp Genetics (formerly Invitae), Labcorp).